The following is an entry in ClinVar:

NM_000214.3(JAG1):c.2555G>T (p.Gly852Val)

Gene: JAG1 (jagged canonical Notch ligand 1; minus strand). Cytogenetic location: 20p12.2.
Variant type: single nucleotide variant.
Coding change: c.2555G>T on transcript NM_000214.3 (MANE Select); coding-DNA position 2555, G replaced by T.
Protein change: p.Gly852Val; replaces glycine 852 with valine.
Molecular consequence: missense variant.
Genome position (GRCh38, 1-based): chr20:10,642,505, C>A on the plus strand (G>T on the coding strand, the complement: JAG1 is on the minus strand). VCF-style: chr20-10642505-C-A. GRCh37 (hg19) VCF-style: chr20-10623153-C-A.
Other names: short protein forms G852V.
Identifiers: ClinVar variation 2822664 (VCV002822664.3), dbSNP rs1317628159, ClinGen allele CA408245494.
Genomic context (GRCh38, chr20:10,642,505, plus strand): 5'-CACCCCAGAAGACCCATGGGCAGCTGAAGCCTGGCACACATACCTTCCTGGCACTTGGCA[C>A]CACTGTGCCCTGGAGGGCAGACACACCGGTAGCCATTGATCTCATCCACACAGGTCGCTC-3'
Protein context (NP_000205.1, residues 842-862): YRCVCPPGHS[Gly852Val]AKCQEVSGRP

ClinVar aggregate classification (germline): Uncertain significance (1 of 4 stars; one submission).

Conditions:
Alagille syndrome due to a JAG1 point mutation. Also called: Alagille Syndrome 1; JAG1-Related Alagille Syndrome; HEPATIC DUCTULAR HYPOPLASIA, SYNDROMATIC. Identifiers: Orphanet 261619, Orphanet 52, MedGen C1956125, MONDO:0016862, OMIM 118450.

Submission:

Labcorp Genetics (formerly Invitae), Labcorp
Classification: Uncertain significance for Alagille syndrome due to a JAG1 point mutation. Last evaluated: 2024-08-13. Review status: criteria provided, single submitter. Criteria: Invitae Variant Classification Sherloc (09022015). Collection method: clinical testing. Allele origin: germline.
Comment: This sequence change replaces glycine, which is neutral and non-polar, with valine, which is neutral and non-polar, at codon 852 of the JAG1 protein (p.Gly852Val). This variant is not present in population databases (gnomAD no frequency). This variant has not been reported in the literature in individuals affected with JAG1-related conditions. Advanced modeling of protein sequence and biophysical properties (such as structural, functional, and spatial information, amino acid conservation, physicochemical variation, residue mobility, and thermodynamic stability) performed at Invitae indicates that this missense variant is expected to disrupt JAG1 protein function with a positive predictive value of 95%. In summary, the available evidence is currently insufficient to determine the role of this variant in disease. Therefore, it has been classified as a Variant of Uncertain Significance.